The following is an entry in ClinVar:

ClinVar aggregate classification (germline): Conflicting classifications of pathogenicity. Review status: criteria provided, conflicting classifications (1 of 4 stars). 4 submissions from 4 submitters: Uncertain significance (1); Likely benign (3). Last evaluated 2026-07-01.

Allele frequency attached by ClinVar (database versions not stated): gnomAD 0.00003; gnomAD exomes 0.00005 and 0.00006; TOPMed 0.00005; ExAC 0.00008; ESP Exome Variant Server 0.00008; 1000 Genomes Project 30x 0.00016; 1000 Genomes Project 0.00020.
gnomAD v4.1: 77 of 1,612,646 alleles (0.0048%); highest among the groups gnomAD compares: Middle Eastern, 0.033%; 1 homozygote.

Submissions (4):

CeGaT Center for Human Genetics Tuebingen
Classification: Likely benign. Last evaluated: 2026-07-01. Review status: criteria provided, single submitter. Criteria: CeGaT Center For Human Genetics Tuebingen Variant Classification Criteria Version 2. Collection method: clinical testing. Allele origin: germline. Affected: yes. Observed: 3 variant alleles.
Comment: GRHL2: BP4, BP7

Labcorp Genetics (formerly Invitae), Labcorp
Classification: Likely benign. Last evaluated: 2025-04-17. Review status: criteria provided, single submitter. Criteria: Invitae Variant Classification Sherloc (09022015). Collection method: clinical testing. Allele origin: germline.

GeneDx
Classification: Uncertain significance. Last evaluated: 2022-12-13. Review status: criteria provided, single submitter. Criteria: GeneDx Variant Classification Process June 2021. Collection method: clinical testing. Allele origin: germline. Affected: yes.
Comment: In silico analysis supports that this variant does not alter splicing; Has not been previously published as pathogenic or benign to our knowledge

Breakthrough Genomics
Classification: Likely benign. Review status: criteria provided, single submitter. Criteria: ACMG Guidelines, 2015. Collection method: not provided. Allele origin: germline. Inheritance: Autosomal recessive inheritance. Affected: yes.

NM_024915.4(GRHL2):c.987G>A (p.Gln329=)

Gene: GRHL2 (grainyhead like transcription factor 2; plus strand). Cytogenetic location: 8q22.3.
Variant type: single nucleotide variant.
Coding change: c.987G>A on transcript NM_024915.4 (MANE Select); coding-DNA position 987, G replaced by A.
Protein change: p.Gln329=; no amino-acid change (glutamine 329 retained).
Molecular consequence: synonymous variant.
Genome position (GRCh38, 1-based): chr8:101,577,503, G>A. VCF-style: chr8-101577503-G-A. GRCh37 (hg19) VCF-style: chr8-102589731-G-A.
Other names: c.987G>A (NM_024915.3); c.939G>A, p.Gln313= (NM_001330593.2).
Identifiers: ClinVar variation 810307 (VCV000810307.46), dbSNP rs200745936, ClinGen allele CA4830438.